The following is an entry in ClinVar:

ClinVar aggregate classification (germline): Conflicting classifications of pathogenicity. Review status: criteria provided, conflicting classifications (1 of 4 stars). 9 submissions from 6 submitters: Uncertain significance (7); Likely benign (2). Last evaluated 2025-08-26.

Conditions:
Hypokalemic periodic paralysis, type 1. Also called: Hypokalemic Periodic Paralysis Type 1 (AD); HypoPP. Identifiers: Orphanet 681, MedGen C3714580, MONDO:0042979, OMIM 170400.
Congenital myopathy 18. Also called: DIHYDROPYRIDINE RECEPTOR CONGENITAL MYOPATHY; DHPR CONGENITAL MYOPATHY; Myopathy, congenital, due to dihydropyridine receptor defect. Identifiers: MedGen C5830283, MONDO:0859514, OMIM 620246.
Malignant hyperthermia, susceptibility to, 5 (MHS5). Also called: CACNA1S-Related Malignant Hyperthermia Susceptibility. Identifiers: Orphanet 423, MedGen C1866077, MONDO:0011163, OMIM 601887.
Thyrotoxic periodic paralysis, susceptibility to, 1 (TTPP1). Identifiers: Orphanet 79102, MedGen C2749982, MONDO:0008570, OMIM 188580.

Allele frequency attached by ClinVar (database versions not stated): gnomAD exomes 0.00003; ExAC 0.00006; ESP Exome Variant Server 0.00015; gnomAD 0.00015 and 0.00016; TOPMed 0.00017; 1000 Genomes Project 0.00020; 1000 Genomes Project 30x 0.00031.
gnomAD v4.1: 55 of 1,613,518 alleles (0.0034%); highest among the groups gnomAD compares: African/African-American, 0.072%; no homozygotes.

Submissions (9):

Labcorp Genetics (formerly Invitae), Labcorp
Classification: Uncertain significance for Hypokalemic periodic paralysis, type 1; Malignant hyperthermia, susceptibility to, 5. Last evaluated: 2025-08-26. Review status: criteria provided, single submitter. Criteria: Invitae Variant Classification Sherloc (09022015). Collection method: clinical testing. Allele origin: germline.
Comment: This sequence change falls in intron 2 of the CACNA1S gene. It does not directly change the encoded amino acid sequence of the CACNA1S protein. It affects a nucleotide within the consensus splice site. This variant is present in population databases (rs376899610, gnomAD 0.06%). This variant has not been reported in the literature in individuals affected with CACNA1S-related conditions. ClinVar contains an entry for this variant (Variation ID: 1024190). Variants that disrupt the consensus splice site are a relatively common cause of aberrant splicing (PMID: 17576681, 9536098). Algorithms developed to predict the effect of sequence changes on RNA splicing suggest that this variant is not likely to affect RNA splicing. In summary, the available evidence is currently insufficient to determine the role of this variant in disease. Therefore, it has been classified as a Variant of Uncertain Significance.

All of Us Research Program, National Institutes of Health
Classification: Likely benign for Malignant hyperthermia, susceptibility to, 5. Last evaluated: 2024-08-13. Review status: criteria provided, single submitter. Criteria: ACMG Guidelines, 2015. Collection method: clinical testing. Allele origin: germline. Inheritance: Autosomal dominant inheritance. Observed: 13 variant alleles, 13 heterozygotes.
Comment: This study involves interpretation of variants in research participants for the purpose of population health screening. Participant phenotype was not available at the time of variant classification. Additional details can be found in publication PMID: 35346344, PMCID: PMC8962531

Color Diagnostics, LLC DBA Color Health
Classification: Likely benign for Malignant hyperthermia, susceptibility to, 5. Last evaluated: 2024-07-10. Review status: criteria provided, single submitter. Criteria: ACMG Guidelines, 2015. Collection method: clinical testing. Allele origin: germline.

Fulgent Genetics
Classification: Uncertain significance for Hypokalemic periodic paralysis, type 1; Thyrotoxic periodic paralysis, susceptibility to, 1; Malignant hyperthermia, susceptibility to, 5; Congenital myopathy 18. Last evaluated: 2024-04-10. Review status: criteria provided, single submitter. Criteria: ACMG Guidelines, 2015. Collection method: clinical testing. Allele origin: germline.

Blueprint Genetics
Classification: Uncertain significance. Last evaluated: 2024-02-12. Review status: criteria provided, single submitter. Criteria: ACMG Guidelines, 2015. Collection method: clinical testing. Allele origin: germline.

Genome-Nilou Lab
Classification: Uncertain significance for Malignant hyperthermia, susceptibility to, 5. Last evaluated: 2023-04-11. Review status: criteria provided, single submitter. Criteria: ACMG Guidelines, 2015. Collection method: clinical testing. Allele origin: germline. Affected: no.

Genome-Nilou Lab
Classification: Uncertain significance for Thyrotoxic periodic paralysis, susceptibility to, 1. Last evaluated: 2023-04-11. Review status: criteria provided, single submitter. Criteria: ACMG Guidelines, 2015. Collection method: clinical testing. Allele origin: germline. Affected: no.

Genome-Nilou Lab
Classification: Uncertain significance for Congenital myopathy 18. Last evaluated: 2023-04-11. Review status: criteria provided, single submitter. Criteria: ACMG Guidelines, 2015. Collection method: clinical testing. Allele origin: germline. Affected: no.

Genome-Nilou Lab
Classification: Uncertain significance for Hypokalemic periodic paralysis, type 1. Last evaluated: 2023-04-11. Review status: criteria provided, single submitter. Criteria: ACMG Guidelines, 2015. Collection method: clinical testing. Allele origin: germline. Affected: no.

Literature cited by the submitters: PubMed 17576681 (cited by Labcorp Genetics (formerly Invitae), Labcorp); PubMed 9536098 (cited by Labcorp Genetics (formerly Invitae), Labcorp).

NM_000069.3(CACNA1S):c.258+6A>G

Gene: CACNA1S (calcium voltage-gated channel subunit alpha1 S; minus strand). Cytogenetic location: 1q32.1.
Variant type: single nucleotide variant.
Coding change: c.258+6A>G on transcript NM_000069.3 (MANE Select); 6 bases into the intron after coding-DNA position 258, A replaced by G.
Molecular consequence: intron variant.
Genome position (GRCh38, 1-based): chr1:201,110,158, T>C on the plus strand (A>G on the coding strand, the complement: CACNA1S is on the minus strand). VCF-style: chr1-201110158-T-C. GRCh37 (hg19) VCF-style: chr1-201079286-T-C.
Identifiers: ClinVar variation 1024190 (VCV001024190.16), dbSNP rs376899610, ClinGen allele CA079098.